The following is an entry in ClinVar:

ClinVar aggregate classification (germline): Uncertain significance. Review status: criteria provided, multiple submitters, no conflicts (2 of 4 stars). 4 submissions from 4 submitters: Uncertain significance (4). Last evaluated 2022-09-27.

Conditions:
Lethal polymalformative syndrome, Boissel type. Also called: GROWTH RETARDATION, DEVELOPMENTAL DELAY, AND FACIAL DYSMORPHISM. Identifiers: Orphanet 210144, MedGen C2752001, MONDO:0013050, OMIM 612938.

Allele frequency attached by ClinVar (database versions not stated): ESP Exome Variant Server 0.00008; gnomAD 0.00009 and 0.00010; TOPMed 0.00009; ExAC 0.00018; gnomAD exomes 0.00021.
gnomAD v4.1: 178 of 1,613,030 alleles (0.011%); highest among the groups gnomAD compares: Middle Eastern, 0.33%; 1 homozygote.

Submissions (4):

Labcorp Genetics (formerly Invitae), Labcorp
Classification: Uncertain significance. Last evaluated: 2022-09-27. Review status: criteria provided, single submitter. Criteria: Invitae Variant Classification Sherloc (09022015). Collection method: clinical testing. Allele origin: germline.
Comment: This sequence change replaces alanine, which is neutral and non-polar, with valine, which is neutral and non-polar, at codon 286 of the FTO protein (p.Ala286Val). This variant is present in population databases (rs370075174, gnomAD 0.2%). This variant has not been reported in the literature in individuals affected with FTO-related conditions. ClinVar contains an entry for this variant (Variation ID: 885846). Advanced modeling of protein sequence and biophysical properties (such as structural, functional, and spatial information, amino acid conservation, physicochemical variation, residue mobility, and thermodynamic stability) performed at Invitae indicates that this missense variant is not expected to disrupt FTO protein function. In summary, the available evidence is currently insufficient to determine the role of this variant in disease. Therefore, it has been classified as a Variant of Uncertain Significance.

GeneDx
Classification: Uncertain significance. Last evaluated: 2020-08-24. Review status: criteria provided, single submitter. Criteria: GeneDx Variant Classification Process June 2021. Collection method: clinical testing. Allele origin: germline. Affected: yes.
Comment: In silico analysis, which includes protein predictors and evolutionary conservation, supports that this variant does not alter protein structure/function; Has not been previously published as pathogenic or benign to our knowledge

Illumina Laboratory Services, Illumina
Classification: Uncertain significance for Lethal polymalformative syndrome, Boissel type. Last evaluated: 2018-01-13. Review status: criteria provided, single submitter. Criteria: ICSL Variant Classification Criteria 13 December 2019. Collection method: clinical testing. Allele origin: germline.

Breakthrough Genomics
Classification: Uncertain significance. Review status: criteria provided, single submitter. Criteria: ACMG Guidelines, 2015. Collection method: not provided. Allele origin: germline. Inheritance: Autosomal recessive inheritance. Affected: yes.

NM_001080432.3(FTO):c.857C>T (p.Ala286Val)

Gene: FTO (FTO alpha-ketoglutarate dependent dioxygenase; plus strand). Cytogenetic location: 16q12.2.
Variant type: single nucleotide variant.
Coding change: c.857C>T on transcript NM_001080432.3 (MANE Select); coding-DNA position 857, C replaced by T.
Protein change: p.Ala286Val; replaces alanine 286 with valine.
Molecular consequence: missense variant. On other transcripts: non-coding transcript variant (1), intron variant (2).
Genome position (GRCh38, 1-based): chr16:53,844,260, C>T. VCF-style: chr16-53844260-C-T. GRCh37 (hg19) VCF-style: chr16-53878172-C-T.
Other names: c.887C>T, p.Ala296Val (NM_001363891.2, NM_001363898.2); c.857C>T, p.Ala286Val (NM_001363894.2, NM_001363896.2, NM_001363900.2 and 5 more transcripts); c.779C>T, p.Ala260Val (NM_001363897.2); c.344C>T, p.Ala115Val (NM_001363905.2); c.781+17739C>T (NM_001363899.2); c.751+17769C>T (NM_001363901.2); short protein forms A260V, A286V, A296V, A115V.
Identifiers: ClinVar variation 885846 (VCV000885846.12), dbSNP rs370075174, ClinGen allele CA8058453.